The following is an entry in ClinVar:

NM_000059.4(BRCA2):c.7518del (p.Gln2506fs)

Gene: BRCA2 (BRCA2 DNA repair associated; plus strand). Cytogenetic location: 13q13.1.
Variant type: Deletion.
Coding change: c.7518del on transcript NM_000059.4 (MANE Select); coding-DNA position 7518, one base deleted (G; older notation c.7518delG).
Protein change: p.Gln2506fs; shifts the reading frame from glutamine 2506.
Molecular consequence: frameshift variant.
Genome position (GRCh38, 1-based): chr13:32,356,510, G deleted. VCF-style (leftmost placement, unchanged base first): chr13-32356509-AG-A. GRCh37 (hg19) VCF-style: chr13-32930646-AG-A.
Other names: 7746delG; short protein forms Q2506fs.
Identifiers: ClinVar variation 267018 (VCV000267018.5), dbSNP rs886040714, ClinGen allele CA10589435.

ClinVar aggregate classification (germline): Pathogenic. Review status: reviewed by expert panel (3 of 4 stars). 2 submissions from 2 submitters: Pathogenic (1). 1 of the submissions does not count toward it. Last evaluated 2016-10-18.

Conditions:
Breast-ovarian cancer, familial, susceptibility to, 2 (BROVCA2). Also called: BRCA2 Hereditary Breast and Ovarian Cancer. Identifiers: Orphanet 145, MedGen C2675520, MONDO:0012933, OMIM 612555. Disease mechanism: loss of function.

Submissions (2):

Evidence-based Network for the Interpretation of Germline Mutant Alleles (ENIGMA)
Classification: Pathogenic for Breast-ovarian cancer, familial, susceptibility to, 2. Last evaluated: 2016-10-18. Review status: reviewed by expert panel. Criteria: ENIGMA BRCA1/2 Classification Criteria (2015). Collection method: curation. Allele origin: germline.
Comment: Variant allele predicted to encode a truncated non-functional protein.

Consortium of Investigators of Modifiers of BRCA1/2 (CIMBA), c/o University of Cambridge
Classification: Pathogenic for Breast-ovarian cancer, familial, susceptibility to, 2. Last evaluated: 2015-10-02. Review status: criteria provided, single submitter. Criteria: CIMBA Mutation Classification guidelines May 2016. Collection method: clinical testing. Allele origin: germline. Not counted in ClinVar's aggregate classification.